The following is an entry in ClinVar:

ClinVar aggregate classification (germline): Uncertain significance. Review status: criteria provided, multiple submitters, no conflicts (2 of 4 stars). 3 submissions from 3 submitters: Uncertain significance (3). Last evaluated 2025-09-17.

Conditions:
Familial sleep-related hypermotor epilepsy. Also called: Autosomal Dominant Sleep-Related Hypermotor (Hyperkinetic) Epilepsy. Identifiers: Orphanet 98784, MedGen C3696898, MONDO:0000030.

Allele frequency attached by ClinVar (database versions not stated): gnomAD exomes below 0.00001 and 0.00001; ExAC 0.00001.
gnomAD v4.1: 6 of 1,611,012 alleles (0.00037%); highest among the groups gnomAD compares: Non-Finnish European, 0.00051%; no homozygotes.

Submissions (3):

GeneDx
Classification: Uncertain significance. Last evaluated: 2025-09-17. Review status: criteria provided, single submitter. Criteria: GeneDx Variant Classification Process June 2021. Collection method: clinical testing. Allele origin: germline. Affected: yes.
Comment: Not observed at significant frequency in large population cohorts (gnomAD); In silico analysis supports a deleterious effect on splicing; Has not been previously published as pathogenic or benign to our knowledge

Labcorp Genetics (formerly Invitae), Labcorp
Classification: Uncertain significance. Last evaluated: 2024-10-23. Review status: criteria provided, single submitter. Criteria: Invitae Variant Classification Sherloc (09022015). Collection method: clinical testing. Allele origin: germline.
Comment: This sequence change falls in intron 5 of the CHRNA2 gene. It does not directly change the encoded amino acid sequence of the CHRNA2 protein. It affects a nucleotide within the consensus splice site. This variant is present in population databases (rs750588205, gnomAD 0.002%). This variant has not been reported in the literature in individuals affected with CHRNA2-related conditions. ClinVar contains an entry for this variant (Variation ID: 543532). Variants that disrupt the consensus splice site are a relatively common cause of aberrant splicing (PMID: 17576681, 9536098). Algorithms developed to predict the effect of sequence changes on RNA splicing suggest that this variant may disrupt the consensus splice site. In summary, the available evidence is currently insufficient to determine the role of this variant in disease. Therefore, it has been classified as a Variant of Uncertain Significance.

Blueprint Genetics
Classification: Uncertain significance. Last evaluated: 2021-03-25. Review status: criteria provided, single submitter. Criteria: ACMG Guidelines, 2015. Collection method: clinical testing. Allele origin: germline.

Literature cited by the submitters: PubMed 17576681 (cited by Labcorp Genetics (formerly Invitae), Labcorp); PubMed 9536098 (cited by Labcorp Genetics (formerly Invitae), Labcorp).

NM_000742.4(CHRNA2):c.449+3A>T

Gene: CHRNA2 (cholinergic receptor nicotinic alpha 2 subunit; minus strand). Cytogenetic location: 8p21.2.
Variant type: single nucleotide variant.
Coding change: c.449+3A>T on transcript NM_000742.4 (MANE Select); 3 bases into the intron after coding-DNA position 449, A replaced by T.
Molecular consequence: intron variant.
Genome position (GRCh38, 1-based): chr8:27,467,226, T>A on the plus strand (A>T on the coding strand, the complement: CHRNA2 is on the minus strand). VCF-style: chr8-27467226-T-A. GRCh37 (hg19) VCF-style: chr8-27324743-T-A.
Other names: c.-24+3A>T (NM_001347705.2, NM_001347706.2); c.404+3A>T (NM_001282455.2); c.-13+3A>T (NM_001347708.2); c.-10+3A>T (NM_001347707.2).
Identifiers: ClinVar variation 543532 (VCV000543532.7), dbSNP rs750588205, ClinGen allele CA4689669.